The following is an entry in ClinVar:

ClinVar aggregate classification (germline): Pathogenic (1 of 4 stars; one submission).

Allele frequency attached by ClinVar (database versions not stated): TOPMed below 0.00001; gnomAD 0.00001.

Submission:

Labcorp Genetics (formerly Invitae), Labcorp
Classification: Pathogenic. Last evaluated: 2023-09-10. Review status: criteria provided, single submitter. Criteria: Invitae Variant Classification Sherloc (09022015). Collection method: clinical testing. Allele origin: germline.
Comment: For these reasons, this variant has been classified as Pathogenic. This variant has not been reported in the literature in individuals affected with MYO15A-related conditions. This variant is not present in population databases (gnomAD no frequency). This sequence change creates a premature translational stop signal (p.Ala982Valfs*4) in the MYO15A gene. It is expected to result in an absent or disrupted protein product. Loss-of-function variants in MYO15A are known to be pathogenic (PMID: 17546645).

Literature cited by the submitters: PubMed 17546645.

NM_016239.4(MYO15A):c.2945del (p.Ala982fs)

Gene: MYO15A (myosin XVA; plus strand). Cytogenetic location: 17p11.2.
Variant type: Deletion.
Coding change: c.2945del on transcript NM_016239.4 (MANE Select); coding-DNA position 2945, one base deleted (C; older notation c.2945delC).
Protein change: p.Ala982fs; shifts the reading frame from alanine 982.
Molecular consequence: frameshift variant.
Genome position (GRCh38, 1-based): chr17:18,121,745, C deleted. VCF-style (leftmost placement, unchanged base first): chr17-18121744-GC-G. GRCh37 (hg19) VCF-style: chr17-18025058-GC-G.
Other names: short protein forms A982fs.
Identifiers: ClinVar variation 2822256 (VCV002822256.3), dbSNP rs777334199, ClinGen allele CA8423346.